The following is an entry in ClinVar:

ClinVar aggregate classification (germline): Uncertain significance (1 of 4 stars; one submission).

Allele frequency attached by ClinVar (database versions not stated): 1000 Genomes Project 30x 0.00016; ExAC 0.00001; 1000 Genomes Project 0.00020; gnomAD 0.00003; ESP Exome Variant Server 0.00008; TOPMed 0.00004.
gnomAD v4.1: 26 of 1,597,012 alleles (0.0016%); highest among the groups gnomAD compares: Admixed American, 0.018%; no homozygotes.

Submission:

Labcorp Genetics (formerly Invitae), Labcorp
Classification: Uncertain significance. Last evaluated: 2025-03-10. Review status: criteria provided, single submitter. Criteria: Invitae Variant Classification Sherloc (09022015). Collection method: clinical testing. Allele origin: germline.
Comment: This sequence change replaces valine, which is neutral and non-polar, with alanine, which is neutral and non-polar, at codon 378 of the YME1L1 protein (p.Val378Ala). This variant is present in population databases (rs202145096, gnomAD 0.03%). This variant has not been reported in the literature in individuals affected with YME1L1-related conditions. ClinVar contains an entry for this variant (Variation ID: 2897375). An algorithm developed to predict the effect of missense changes on protein structure and function (PolyPhen-2) suggests that this variant is likely to be disruptive. In summary, the available evidence is currently insufficient to determine the role of this variant in disease. Therefore, it has been classified as a Variant of Uncertain Significance.

NM_014263.4(YME1L1):c.962T>C (p.Val321Ala)

Gene: YME1L1 (YME1 like 1 ATPase; minus strand). Cytogenetic location: 10p12.1.
Variant type: single nucleotide variant.
Coding change: c.962T>C on transcript NM_014263.4 (MANE Select); coding-DNA position 962, T replaced by C.
Protein change: p.Val321Ala; replaces valine 321 with alanine.
Molecular consequence: missense variant.
Genome position (GRCh38, 1-based): chr10:27,123,687, A>G on the plus strand (T>C on the coding strand, the complement: YME1L1 is on the minus strand). VCF-style: chr10-27123687-A-G. GRCh37 (hg19) VCF-style: chr10-27412616-A-G.
Other names: c.863T>C, p.Val288Ala (NM_001253866.2); c.1133T>C, p.Val378Ala (NM_139312.3); short protein forms V288A, V321A, V378A.
Identifiers: ClinVar variation 2897375 (VCV002897375.3), dbSNP rs202145096, ClinGen allele CA5449433.